The following is an entry in ClinVar:

NM_002439.5(MSH3):c.1765G>T (p.Glu589Ter)

Gene: MSH3 (mutS homolog 3; plus strand). Cytogenetic location: 5q14.1.
Variant type: single nucleotide variant.
Coding change: c.1765G>T on transcript NM_002439.5 (MANE Select); coding-DNA position 1765, G replaced by T.
Protein change: p.Glu589Ter; replaces glutamic acid 589 with a stop codon.
Molecular consequence: nonsense.
Genome position (GRCh38, 1-based): chr5:80,761,547, G>T. VCF-style: chr5-80761547-G-T. GRCh37 (hg19) VCF-style: chr5-80057366-G-T.
Other names: short protein forms E589*.
Identifiers: ClinVar variation 2087902 (VCV002087902.5), dbSNP rs766156923, ClinGen allele CA3328040.

ClinVar aggregate classification (germline): Pathogenic. Review status: criteria provided, multiple submitters, no conflicts (2 of 4 stars). 2 submissions from 2 submitters: Pathogenic (2). Last evaluated 2023-08-30.

Conditions:
Familial adenomatous polyposis 4 (FAP4). Also called: MSH3-related attenuated familial adenomatous polyposis. Identifiers: Orphanet 480536, MedGen C4310719, MONDO:0044300, OMIM 617100.

Allele frequency attached by ClinVar (database versions not stated): gnomAD exomes below 0.00001; ExAC 0.00001.
gnomAD v4.1: 2 of 1,614,062 alleles (0.00012%); highest among the groups gnomAD compares: South Asian, 0.0022%; no homozygotes.

Submissions (2):

Myriad Genetics, Inc.
Classification: Pathogenic for Familial adenomatous polyposis 4. Last evaluated: 2023-08-30. Review status: criteria provided, single submitter. Criteria: Myriad Autosomal Dominant, Autosomal Recessive and X-Linked Classification Criteria (2023). Collection method: clinical testing. Allele origin: unknown.
Comment: This variant is considered pathogenic. This variant creates a termination codon and is predicted to result in premature protein truncation.

Labcorp Genetics (formerly Invitae), Labcorp
Classification: Pathogenic. Last evaluated: 2022-03-29. Review status: criteria provided, single submitter. Criteria: Invitae Variant Classification Sherloc (09022015). Collection method: clinical testing. Allele origin: germline.
Comment: For these reasons, this variant has been classified as Pathogenic. This variant has not been reported in the literature in individuals affected with MSH3-related conditions. This variant is present in population databases (rs766156923, gnomAD 0.003%). This sequence change creates a premature translational stop signal (p.Glu589*) in the MSH3 gene. It is expected to result in an absent or disrupted protein product. Loss-of-function variants in MSH3 are known to be pathogenic (PMID: 27476653).

Literature cited by the submitters: PubMed 27476653 (cited by Labcorp Genetics (formerly Invitae), Labcorp).